The following is an entry in ClinVar:

NM_032444.4(SLX4):c.-4C>G

Gene: SLX4 (SLX4 structure-specific endonuclease subunit; minus strand). Cytogenetic location: 16p13.3.
Variant type: single nucleotide variant.
Coding change: c.-4C>G on transcript NM_032444.4 (MANE Select); 4 bases upstream of the start codon, C replaced by G.
Molecular consequence: 5 prime UTR variant.
Genome position (GRCh38, 1-based): chr16:3,608,968, G>C on the plus strand (C>G on the coding strand, the complement: SLX4 is on the minus strand). VCF-style: chr16-3608968-G-C. GRCh37 (hg19) VCF-style: chr16-3658969-G-C.
Identifiers: ClinVar variation 4684068 (VCV004684068.1).

ClinVar aggregate classification (germline): Likely benign (1 of 4 stars; one submission).

gnomAD v4.1: 1 of 1,611,896 alleles (0.000062%); highest among the groups gnomAD compares: Non-Finnish European, 0.000085%; no homozygotes.

Submission:

Mayo Clinic Laboratories, Mayo Clinic
Classification: Likely benign. Last evaluated: 2025-09-15. Review status: criteria provided, single submitter. Criteria: ACMG Guidelines, 2015. Collection method: clinical testing. Allele origin: germline. Observed: 1 variant allele.
Comment: BP4, BP7